The following is an entry in ClinVar:

NM_015450.3(POT1):c.755A>G (p.Asn252Ser)

Gene: POT1 (protection of telomeres 1; minus strand). Cytogenetic location: 7q31.33.
Variant type: single nucleotide variant.
Coding change: c.755A>G on transcript NM_015450.3 (MANE Select); coding-DNA position 755, A replaced by G.
Protein change: p.Asn252Ser; replaces asparagine 252 with serine.
Molecular consequence: missense variant. On other transcripts: non-coding transcript variant (3).
Genome position (GRCh38, 1-based): chr7:124,853,086, T>C on the plus strand (A>G on the coding strand, the complement: POT1 is on the minus strand). VCF-style: chr7-124853086-T-C. GRCh37 (hg19) VCF-style: chr7-124493140-T-C.
Other names: c.362A>G, p.Asn121Ser (NM_001042594.2); short protein forms N252S, N121S.
Identifiers: ClinVar variation 2565255 (VCV002565255.4), dbSNP rs1584765721, ClinGen allele CA369055606.

ClinVar aggregate classification (germline): Uncertain significance. Review status: criteria provided, multiple submitters, no conflicts (2 of 4 stars). 2 submissions from 2 submitters: Uncertain significance (2). Last evaluated 2024-04-22.

Conditions:
Hereditary cancer-predisposing syndrome. Also called: Neoplastic Syndromes, Hereditary; Hereditary Cancer Syndrome; Tumor predisposition; Hereditary neoplastic syndrome. Identifiers: Orphanet 140162, MedGen C0027672, MeSH D009386, MONDO:0015356.
Tumor predisposition syndrome 3 (TPDS3). Also called: Glioma susceptibility 9; LONG TELOMERE SYNDROME, POT1-RELATED; POT1 Tumor Predisposition; Melanoma, cutaneous malignant, susceptibility to, 10. Identifiers: Orphanet 618, MedGen C4014476, MONDO:0014368, OMIM 615848.

Allele frequency attached by ClinVar (database versions not stated): gnomAD exomes below 0.00001.
gnomAD v4.1: 1 of 1,608,974 alleles (0.000062%); highest among the groups gnomAD compares: Non-Finnish European, 0.000085%; no homozygotes.

Submissions (2):

Labcorp Genetics (formerly Invitae), Labcorp
Classification: Uncertain significance for Tumor predisposition syndrome 3. Last evaluated: 2024-04-22. Review status: criteria provided, single submitter. Criteria: Invitae Variant Classification Sherloc (09022015). Collection method: clinical testing. Allele origin: germline.
Comment: This sequence change replaces asparagine, which is neutral and polar, with serine, which is neutral and polar, at codon 252 of the POT1 protein (p.Asn252Ser). This variant is not present in population databases (gnomAD no frequency). This variant has not been reported in the literature in individuals affected with POT1-related conditions. ClinVar contains an entry for this variant (Variation ID: 2565255). Advanced modeling of protein sequence and biophysical properties (such as structural, functional, and spatial information, amino acid conservation, physicochemical variation, residue mobility, and thermodynamic stability) performed at Invitae indicates that this missense variant is not expected to disrupt POT1 protein function with a negative predictive value of 80%. In summary, the available evidence is currently insufficient to determine the role of this variant in disease. Therefore, it has been classified as a Variant of Uncertain Significance.

Ambry Genetics
Classification: Uncertain significance for Hereditary cancer-predisposing syndrome. Last evaluated: 2023-05-05. Review status: criteria provided, single submitter. Criteria: Ambry Variant Classification Scheme 2023. Collection method: clinical testing. Allele origin: germline.
Comment: The p.N252S variant (also known as c.755A>G), located in coding exon 6 of the POT1 gene, results from an A to G substitution at nucleotide position 755. The asparagine at codon 252 is replaced by serine, an amino acid with highly similar properties. This amino acid position is conserved. In addition, this alteration is predicted to be tolerated by in silico analysis. Since supporting evidence is limited at this time, the clinical significance of this alteration remains unclear.